The following is an entry in ClinVar:

NM_031407.7(HUWE1):c.1113T>A (p.Ile371=)

Gene: HUWE1 (HECT, UBA and WWE domain containing E3 ubiquitin protein ligase 1; minus strand). Cytogenetic location: Xp11.22.
Variant type: single nucleotide variant.
Coding change: c.1113T>A on transcript NM_031407.7 (MANE Select); coding-DNA position 1113, T replaced by A.
Protein change: p.Ile371=; no amino-acid change (isoleucine 371 retained).
Molecular consequence: synonymous variant.
Genome position (GRCh38, 1-based): chrX:53,628,753, A>T on the plus strand (T>A on the coding strand, the complement: HUWE1 is on the minus strand). VCF-style: chrX-53628753-A-T. GRCh37 (hg19) VCF-style: chrX-53655704-A-T.
Other names: c.1113T>A, p.Ile371= (NM_001441048.1, NM_001441049.1, NM_001441051.1 and 6 more transcripts); c.1134T>A, p.Ile378= (NM_001441050.1, NM_001441055.1).
Identifiers: ClinVar variation 4713659 (VCV004713659.1).

ClinVar aggregate classification (germline): Uncertain significance (1 of 4 stars; one submission).

Submission:

Labcorp Genetics (formerly Invitae), Labcorp
Classification: Uncertain significance. Last evaluated: 2025-02-23. Review status: criteria provided, single submitter. Criteria: Invitae Variant Classification Sherloc (09022015). Collection method: clinical testing. Allele origin: germline.
Comment: This sequence change affects codon 371 of the HUWE1 mRNA. It is a 'silent' change, meaning that it does not change the encoded amino acid sequence of the HUWE1 protein. It affects a nucleotide within the consensus splice site. This variant is not present in population databases (gnomAD no frequency). This variant has not been reported in the literature in individuals affected with HUWE1-related conditions. Algorithms developed to predict the effect of sequence changes on RNA splicing suggest that this variant is not likely to affect RNA splicing. In summary, the available evidence is currently insufficient to determine the role of this variant in disease. Therefore, it has been classified as a Variant of Uncertain Significance.